The following is an entry in ClinVar:

ClinVar aggregate classification (germline): Uncertain significance (1 of 4 stars; one submission).

Submission:

Labcorp Genetics (formerly Invitae), Labcorp
Classification: Uncertain significance. Last evaluated: 2023-12-25. Review status: criteria provided, single submitter. Criteria: Invitae Variant Classification Sherloc (09022015). Collection method: clinical testing. Allele origin: germline.
Comment: This sequence change replaces alanine, which is neutral and non-polar, with threonine, which is neutral and polar, at codon 227 of the IRF2BP2 protein (p.Ala227Thr). This variant is not present in population databases (gnomAD no frequency). This variant has not been reported in the literature in individuals affected with IRF2BP2-related conditions. Algorithms developed to predict the effect of missense changes on protein structure and function output the following: SIFT: "Not Available"; PolyPhen-2: "Possibly Damaging"; Align-GVGD: "Not Available". The threonine amino acid residue is found in multiple mammalian species, which suggests that this missense change does not adversely affect protein function. In summary, the available evidence is currently insufficient to determine the role of this variant in disease. Therefore, it has been classified as a Variant of Uncertain Significance.

NM_182972.3(IRF2BP2):c.679G>A (p.Ala227Thr)

Genes: IRF2BP2 (interferon regulatory factor 2 binding protein 2; minus strand), LOC129932811 (ATAC-STARR-seq lymphoblastoid silent region 1976; plus strand). Cytogenetic location: 1q42.3.
Variant type: single nucleotide variant.
Coding change: c.679G>A on transcript NM_182972.3 (MANE Select); coding-DNA position 679, G replaced by A.
Protein change: p.Ala227Thr; replaces alanine 227 with threonine.
Molecular consequence: missense variant.
Genome position (GRCh38, 1-based): chr1:234,608,816, C>T on the plus strand (G>A on the coding strand, the complement: IRF2BP2 is on the minus strand). VCF-style: chr1-234608816-C-T. GRCh37 (hg19) VCF-style: chr1-234744562-C-T.
Other names: c.679G>A, p.Ala227Thr (NM_001077397.1); short protein forms A227T.
Identifiers: ClinVar variation 3007443 (VCV003007443.3), dbSNP rs1165330531, ClinGen allele CA345309010.